The following is an entry in ClinVar:

ClinVar aggregate classification (germline): Uncertain significance (1 of 4 stars; one submission).

Conditions:
Developmental and epileptic encephalopathy, 1 (DEE1). Also called: Epileptic encephalopathy, early infantile, 1; X-linked infantile spasms; West's syndrome; Tonic spasms with clustering, arrest of psychomotor development and hypsarrhythmia on EEG; X-Linked Infantile Spasm Syndrome; OHTAHARA SYNDROME, X-LINKED. Identifiers: MedGen C3463992, MONDO:0010632, OMIM 308350. Disease mechanism: loss of function.
Autosomal recessive spinocerebellar ataxia 12. Also called: SPINOCEREBELLAR ATAXIA WITH MENTAL RETARDATION AND EPILEPSY. Identifiers: Orphanet 284282, MedGen C3280452, MONDO:0013687, OMIM 614322.

Submission:

Labcorp Genetics (formerly Invitae), Labcorp
Classification: Uncertain significance for Developmental and epileptic encephalopathy, 1; Autosomal recessive spinocerebellar ataxia 12. Last evaluated: 2022-10-24. Review status: criteria provided, single submitter. Criteria: Invitae Variant Classification Sherloc (09022015). Collection method: clinical testing. Allele origin: germline.
Comment: This variant results in a copy number gain of the genomic region encompassing exon(s) 1-4 of the WWOX gene. This region includes the initiator codon of the gene. This copy number gain extends beyond the assayed region for this gene and therefore may encompass additional genes. As the precise location of this event is unknown, it may be in tandem or it may be located elsewhere in the genome. This variant has not been reported in the literature in individuals affected with WWOX-related conditions. Experimental studies and prediction algorithms are not available or were not evaluated, and the functional significance of this variant is currently unknown. In summary, the available evidence is currently insufficient to determine the role of this variant in disease. Therefore, it has been classified as a Variant of Uncertain Significance.

NC_000016.9:g.(?_78133656)_(78149071_?)dup

Gene: WWOX (WW domain containing oxidoreductase; plus strand). Cytogenetic location: 16q23.1.
Variant type: Duplication.
Identifiers: ClinVar variation 661187 (VCV000661187.4).